The following is an entry in ClinVar:

NM_002382.5(MAX):c.37-9_37-8del

Gene: MAX (MYC associated factor X; minus strand). Cytogenetic location: 14q23.3.
Variant type: Deletion.
Coding change: c.37-9_37-8del on transcript NM_002382.5 (MANE Select); 9 bases into the intron before coding-DNA position 37 through 8 bases into the intron before coding-DNA position 37, 2 bases deleted (TT; older notation c.37-9_37-8delTT).
Molecular consequence: intron variant. On other transcripts: frameshift variant (1), non-coding transcript variant (1).
Genome position (GRCh38, 1-based): chr14:65,101,580-65,101,581, AA deleted on the plus strand (TT on the coding strand, the reverse complement: MAX is on the minus strand). VCF-style (leftmost placement, unchanged base first): chr14-65101579-TAA-T. GRCh37 (hg19) VCF-style: chr14-65568297-TAA-T.
Other names: c.51_52del, p.Tyr18fs (NM_001407114.1); c.36+723_36+724del (NM_001271069.2, NM_001407095.1, NM_001407110.1 and 9 more transcripts); c.37-9_37-8del (NM_197957.4, NM_001407094.1, NM_001407104.1 and 6 more transcripts); c.-305+928_-305+929del (NM_001407112.1); c.-238-9_-238-8del (NM_001407106.1, NM_001320415.2, NM_001407105.1); c.-212+723_-212+724del (NM_001407107.1); c.-331-9_-331-8del (NM_001407111.1); short protein forms Y18fs.
Identifiers: ClinVar variation 3572207 (VCV003572207.1).

ClinVar aggregate classification (germline): Uncertain significance (1 of 4 stars; one submission).

Submission:

Quest Diagnostics Nichols Institute San Juan Capistrano
Classification: Uncertain significance. Last evaluated: 2024-03-22. Review status: criteria provided, single submitter. Criteria: Quest Diagnostics criteria. Collection method: clinical testing. Allele origin: unknown.
Comment: The MAX c.37-9_37-8del variant has not been reported in individuals with MAX-related conditions in the published literature. It also has not been reported in large, multi-ethnic general populations (Genome Aggregation Database). Analysis of this variant using software algorithms for the prediction of the effect of nucleotide changes on splicing yielded predictions that this variant does not affect MAX mRNA splicing. Based on the available information, we are unable to determine the clinical significance of this variant.